The following is an entry in ClinVar:

ClinVar aggregate classification (germline): Uncertain significance (1 of 4 stars; one submission).

Submission:

Women's Health and Genetics/Laboratory Corporation of America, LabCorp
Classification: Uncertain significance. Last evaluated: 2026-02-25. Review status: criteria provided, single submitter. Criteria: LabCorp Variant Classification Summary - May 2015. Collection method: clinical testing. Allele origin: germline.
Comment: Variant summary: CYP21A2 c.1460G>C (p.Gly487Ala) results in a non-conservative amino acid change in the encoded protein sequence. Algorithms developed to predict the effect of missense changes on protein structure and function are either unavailable or do not agree on the potential impact of this missense change. The variant was absent in 234572 control chromosomes. The available data on variant occurrences in the general population are insufficient to allow any conclusion about variant significance. To our knowledge, no occurrence of c.1460G>C in individuals affected with CYP21A2-related conditions and no experimental evidence demonstrating its impact on protein function have been reported. No submitters have cited clinical-significance assessments for this variant to ClinVar. Based on the evidence outlined above, the variant was classified as uncertain significance.

NM_000500.9(CYP21A2):c.1460G>C (p.Gly487Ala)

Genes: CYP21A2 (cytochrome P450 family 21 subfamily A member 2; plus strand), LOC106780800 (CYP21A2 recombination region; plus strand). Cytogenetic location: 6p21.33.
Variant type: single nucleotide variant.
Coding change: c.1460G>C on transcript NM_000500.9 (MANE Select); coding-DNA position 1460, G replaced by C.
Protein change: p.Gly487Ala; replaces glycine 487 with alanine.
Molecular consequence: missense variant.
Genome position (GRCh38, 1-based): chr6:32,041,106, G>C. VCF-style: chr6-32041106-G-C. GRCh37 (hg19) VCF-style: chr6-32008883-G-C.
Other names: c.1370G>C, p.Gly457Ala (NM_001128590.4); c.1055G>C, p.Gly352Ala (NM_001368143.2, NM_001368144.2); short protein forms G352A, G457A, G487A.
Identifiers: ClinVar variation 4847990 (VCV004847990.1).
Genomic context (GRCh38, chr6:32,041,106, plus strand): 5'-ACTGCAGTGTCATCCTCAAGATGCAGCCTTTCCAAGTGCGGCTGCAGCCCCGGGGGATGG[G>C]GGCCCACAGCCCGGGCCAGAGCCAGTGATGGGGCAGGACCGATGCCAGCCGGGTACCTCA-3'
Protein context (NP_000491.4, residues 477-495): FQVRLQPRGM[Gly487Ala]AHSPGQSQ